The following is an entry in ClinVar:

ClinVar aggregate classification (germline): Uncertain significance (1 of 4 stars; one submission).

Submission:

Labcorp Genetics (formerly Invitae), Labcorp
Classification: Uncertain significance. Last evaluated: 2021-03-07. Review status: criteria provided, single submitter. Criteria: Invitae Variant Classification Sherloc (09022015). Collection method: clinical testing. Allele origin: germline.
Comment: In summary, the available evidence is currently insufficient to determine the role of this variant in disease. Therefore, it has been classified as a Variant of Uncertain Significance. Algorithms developed to predict the effect of missense changes on protein structure and function are either unavailable or do not agree on the potential impact of this missense change (SIFT: "Deleterious"; PolyPhen-2: "Probably Damaging"; Align-GVGD: "Class C0"). This variant has not been reported in the literature in individuals with CTNNA1-related conditions. This variant is not present in population databases (ExAC no frequency). This sequence change replaces arginine with glycine at codon 731 of the CTNNA1 protein (p.Arg731Gly). The arginine residue is highly conserved and there is a moderate physicochemical difference between arginine and glycine.

NM_001903.5(CTNNA1):c.2191C>G (p.Arg731Gly)

Gene: CTNNA1 (catenin alpha 1; plus strand). Cytogenetic location: 5q31.2.
Variant type: single nucleotide variant.
Coding change: c.2191C>G on transcript NM_001903.5 (MANE Select); coding-DNA position 2191, C replaced by G.
Protein change: p.Arg731Gly; replaces arginine 731 with glycine.
Molecular consequence: missense variant.
Genome position (GRCh38, 1-based): chr5:138,930,653, C>G. VCF-style: chr5-138930653-C-G. GRCh37 (hg19) VCF-style: chr5-138266342-C-G.
Other names: c.2191C>G, p.Arg731Gly (NM_001290307.3, NM_001323982.2, NM_001323983.1 and 2 more transcripts); c.1882C>G, p.Arg628Gly (NM_001290309.3); c.1822C>G, p.Arg608Gly (NM_001290310.3); c.1081C>G, p.Arg361Gly (NM_001290312.1, NM_001323987.1, NM_001323988.1 and 17 more transcripts); c.2098C>G, p.Arg700Gly (NM_001323986.2); c.742C>G, p.Arg248Gly (NM_001324006.1, NM_001324007.1, NM_001324008.1 and 2 more transcripts); c.988C>G, p.Arg330Gly (NM_001324011.1); c.838C>G, p.Arg280Gly (NM_001324012.1, NM_001324013.1); short protein forms R248G, R608G, R700G, R731G, R330G, R361G, R280G, R628G.
Identifiers: ClinVar variation 1460797 (VCV001460797.8), dbSNP rs1401839892, ClinGen allele CA361133729.